The following is an entry in ClinVar:

NM_000138.5(FBN1):c.4459+2T>C

Gene: FBN1 (fibrillin 1; minus strand). Cytogenetic location: 15q21.1.
Variant type: single nucleotide variant.
Coding change: c.4459+2T>C on transcript NM_000138.5 (MANE Select); the canonical splice donor site of the intron after coding-DNA position 4459, T replaced by C.
Molecular consequence: splice donor variant.
Genome position (GRCh38, 1-based): chr15:48,470,632, A>G on the plus strand (T>C on the coding strand, the complement: FBN1 is on the minus strand). VCF-style: chr15-48470632-A-G. GRCh37 (hg19) VCF-style: chr15-48762829-A-G.
Other names: c.4459+2T>C (NM_001406716.1).
Identifiers: ClinVar variation 4786427 (VCV004786427.1).
Genomic context (GRCh38, chr15:48,470,632, plus strand): 5'-CTCCAATAGCTGGGTCCCCCGGGACACCAGGGAGCTGATTTTGATGCCAGTGGAGGTCTT[A>G]CCTGTGCAGTTCCCGCCGCTTCTGTCCAGTTCGTAGCCTATCTCACACTCACAGCGGAAC-3'

ClinVar aggregate classification (germline): Pathogenic (1 of 4 stars; one submission).

Conditions:
Marfan syndrome (MFS). Also called: FBN1-Related Marfan Syndrome; MARFAN SYNDROME, TYPE I; Marfan syndrome type 1; Marfan's syndrome; Marfan syndrome, classic. Identifiers: Orphanet 284963, Orphanet 558, MedGen C0024796, MONDO:0007947, OMIM 154700.
Familial thoracic aortic aneurysm and aortic dissection (TAAD). Also called: Thoracic aortic aneurysms and dissections. Identifiers: Orphanet 91387, MedGen C4707243, MONDO:0019625.

Submission:

Labcorp Genetics (formerly Invitae), Labcorp
Classification: Pathogenic for Marfan syndrome; Familial thoracic aortic aneurysm and aortic dissection. Last evaluated: 2025-10-14. Review status: criteria provided, single submitter. Criteria: Invitae Variant Classification Sherloc (09022015). Collection method: clinical testing. Allele origin: germline.
Comment: This sequence change affects a donor splice site in intron 36 of the FBN1 gene. It is expected to disrupt RNA splicing. Variants that disrupt the donor or acceptor splice site typically lead to a loss of protein function (PMID: 16199547), and loss-of-function variants in FBN1 are known to be pathogenic (PMID: 17657824, 19293843). This variant is not present in population databases (gnomAD no frequency). Disruption of this splice site has been observed in individual(s) with Marfan syndrome (PMID: 10464652, 31098894). In at least one individual the variant was observed to be de novo. Algorithms developed to predict the effect of sequence changes on RNA splicing suggest that this variant may disrupt the consensus splice site. For these reasons, this variant has been classified as Pathogenic.

Literature cited by the submitters: PubMed 16199547; PubMed 17657824; PubMed 19293843; PubMed 10464652; PubMed 31098894.